The following is an entry in ClinVar:

NM_001040142.2(SCN2A):c.1721G>A (p.Arg574Lys)

Gene: SCN2A (sodium voltage-gated channel alpha subunit 2; plus strand). Cytogenetic location: 2q24.3.
Variant type: single nucleotide variant.
Coding change: c.1721G>A on transcript NM_001040142.2 (MANE Select); coding-DNA position 1721, G replaced by A.
Protein change: p.Arg574Lys; replaces arginine 574 with lysine.
Molecular consequence: missense variant.
Genome position (GRCh38, 1-based): chr2:165,323,205, G>A. VCF-style: chr2-165323205-G-A. GRCh37 (hg19) VCF-style: chr2-166179715-G-A.
Other names: c.1721G>A, p.Arg574Lys (NM_001040143.2, NM_001371246.1, NM_001371247.1 and 1 more transcripts); short protein forms R574K.
Identifiers: ClinVar variation 2948760 (VCV002948760.3), dbSNP rs2467933424, ClinGen allele CA349026437.
Genomic context (GRCh38, chr2:165,323,205, plus strand): 5'-GTTATTCATAGTCCTTACTGAGCATCCGTGGCTCCCTTTTCTCTCCAAGACGCAACAGTA[G>A]GGCGAGCCTTTTCAGCTTCAGAGGTCGAGCAAAGGACATTGGCTCTGAGAATGACTTTGC-3'
Protein context (NP_001035232.1, residues 564-584): GSLFSPRRNS[Arg574Lys]ASLFSFRGRA

ClinVar aggregate classification (germline): Uncertain significance (1 of 4 stars; one submission).

Conditions:
Seizures, benign familial infantile, 3 (BFIS3). Also called: CONVULSIONS, BENIGN FAMILIAL INFANTILE, 3; Familial neonatal seizures. Identifiers: Orphanet 140927, Orphanet 306, MedGen C1843140, MONDO:0011904, OMIM 607745.
Developmental and epileptic encephalopathy, 11 (DEE11). Also called: Early infantile epileptic encephalopathy 11. Identifiers: Orphanet 1934, MedGen C3150987, MONDO:0013388, OMIM 613721.

Submission:

Labcorp Genetics (formerly Invitae), Labcorp
Classification: Uncertain significance for Seizures, benign familial infantile, 3; Developmental and epileptic encephalopathy, 11. Last evaluated: 2024-10-22. Review status: criteria provided, single submitter. Criteria: Invitae Variant Classification Sherloc (09022015). Collection method: clinical testing. Allele origin: germline.
Comment: This sequence change replaces arginine, which is basic and polar, with lysine, which is basic and polar, at codon 574 of the SCN2A protein (p.Arg574Lys). This variant is not present in population databases (gnomAD no frequency). This variant has not been reported in the literature in individuals affected with SCN2A-related conditions. Invitae Evidence Modeling of protein sequence and biophysical properties (such as structural, functional, and spatial information, amino acid conservation, physicochemical variation, residue mobility, and thermodynamic stability) indicates that this missense variant is not expected to disrupt SCN2A protein function with a negative predictive value of 95%. In summary, the available evidence is currently insufficient to determine the role of this variant in disease. Therefore, it has been classified as a Variant of Uncertain Significance.